The following is an entry in ClinVar:

NM_023110.3(FGFR1):c.1948del (p.His650fs)

Gene: FGFR1 (fibroblast growth factor receptor 1; minus strand). Cytogenetic location: 8p11.23.
Variant type: Deletion.
Coding change: c.1948del on transcript NM_023110.3 (MANE Select); coding-DNA position 1948, one base deleted (C; older notation c.1948delC).
Protein change: p.His650fs; shifts the reading frame from histidine 650.
Molecular consequence: frameshift variant.
Genome position (GRCh38, 1-based): chr8:38,414,808, G deleted on the plus strand (C on the coding strand, the reverse complement: FGFR1 is on the minus strand); the first of 2 consecutive G bases (chr8:38,414,808-38,414,809); deleting either gives the same sequence. VCF-style (leftmost placement, unchanged base first): chr8-38414807-TG-T. GRCh37 (hg19) VCF-style: chr8-38272325-TG-T.
Other names: c.1947delC, p.His650Thrfs (NM_000604.2); c.1942del, p.His648fs (NM_001174063.2, NM_001174065.2, NM_001354367.2 and 1 more transcripts); c.1918del, p.His640fs (NM_001174064.2); c.1681del, p.His561fs (NM_001174066.2, NM_023105.3); c.2041del, p.His681fs (NM_001174067.2); c.1669del, p.His557fs (NM_001354368.2); c.1936del, p.His646fs (NM_001354369.2, NM_001410922.1); c.1675del, p.His559fs (NM_001354370.2, NM_023106.3); short protein forms H557fs, H559fs, H561fs, H681fs, H640fs, H646fs, H648fs, H650fs.
Identifiers: ClinVar variation 2949499 (VCV002949499.3), dbSNP rs2536817689, ClinGen allele CA2740094991.

ClinVar aggregate classification (germline): Pathogenic (1 of 4 stars; one submission).

Conditions:
Pfeiffer syndrome (ACS5). Also called: ACS V. Identifiers: Orphanet 710, MedGen C0220658, MONDO:0007043, OMIM 101600.
Hypogonadotropic hypogonadism 2 with or without anosmia (HH2). Also called: HYPOGONADOTROPIC HYPOGONADISM 2 WITH OR WITHOUT ANOSMIA, SUSCEPTIBILITY TO; HYPOGONADOTROPIC HYPOGONADISM 2 WITHOUT ANOSMIA; HYPOGONADOTROPIC HYPOGONADISM 2 WITHOUT ANOSMIA, SUSCEPTIBILITY TO; FGFR1-Related GnRH Deficiency (Kallmann Syndrome 2). Identifiers: Orphanet 478, MedGen C1563720, MONDO:0007844, OMIM 147950. Disease mechanism: loss of function.

Submission:

Labcorp Genetics (formerly Invitae), Labcorp
Classification: Pathogenic for Pfeiffer syndrome; Hypogonadotropic hypogonadism 2 with or without anosmia. Last evaluated: 2023-06-30. Review status: criteria provided, single submitter. Criteria: Invitae Variant Classification Sherloc (09022015). Collection method: clinical testing. Allele origin: germline.
Comment: This sequence change creates a premature translational stop signal (p.His650Thrfs*15) in the FGFR1 gene. It is expected to result in an absent or disrupted protein product. Loss-of-function variants in FGFR1 are known to be pathogenic (PMID: 12627230). This variant is not present in population databases (gnomAD no frequency). This variant has not been reported in the literature in individuals affected with FGFR1-related conditions. For these reasons, this variant has been classified as Pathogenic.

Literature cited by the submitters: PubMed 12627230.